The following is an entry in ClinVar:

ClinVar aggregate classification (germline): Uncertain significance (1 of 4 stars; one submission).

Conditions:
Cardiovascular phenotype. Identifiers: MedGen CN230736.

Submission:

Ambry Genetics
Classification: Uncertain significance for Cardiovascular phenotype. Last evaluated: 2020-06-17. Review status: criteria provided, single submitter. Criteria: Ambry Variant Classification Scheme 2023. Collection method: clinical testing. Allele origin: germline.
Comment: The p.R1465G variant (also known as c.4393C>G), located in coding exon 36 of the ABCC9 gene, results from a C to G substitution at nucleotide position 4393. The arginine at codon 1465 is replaced by glycine, an amino acid with dissimilar properties. This amino acid position is highly conserved in available vertebrate species. In addition, this alteration is predicted to be deleterious by in silico analysis. Since supporting evidence is limited at this time, the clinical significance of this alteration remains unclear.

NM_020297.4(ABCC9):c.4393C>G (p.Arg1465Gly)

Genes: ABCC9 (ATP binding cassette subfamily C member 9; minus strand), KCNJ8-AS1 (KCNJ8 antisense RNA 1; plus strand). Cytogenetic location: 12p12.1.
Variant type: single nucleotide variant.
Coding change: c.4393C>G on transcript NM_020297.4 (MANE Select); coding-DNA position 4393, C replaced by G.
Protein change: p.Arg1465Gly; replaces arginine 1465 with glycine.
Molecular consequence: missense variant.
Genome position (GRCh38, 1-based): chr12:21,807,402, G>C on the plus strand (C>G on the coding strand, the complement: ABCC9 is on the minus strand). VCF-style: chr12-21807402-G-C. GRCh37 (hg19) VCF-style: chr12-21960336-G-C.
Other names: c.4393C>G, p.Arg1465Gly (NM_001377273.1, NM_005691.4); c.3526C>G, p.Arg1176Gly (NM_001377274.1); short protein forms R1465G, R1176G.
Identifiers: ClinVar variation 1740242 (VCV001740242.2), dbSNP rs2540806177, ClinGen allele CA384131689.